The following is an entry in ClinVar:

NM_207352.4(CYP4V2):c.274C>T (p.Leu92Phe)

Gene: CYP4V2 (cytochrome P450 family 4 subfamily V member 2; plus strand). Cytogenetic location: 4q35.1.
Variant type: single nucleotide variant.
Coding change: c.274C>T on transcript NM_207352.4 (MANE Select); coding-DNA position 274, C replaced by T.
Protein change: p.Leu92Phe; replaces leucine 92 with phenylalanine.
Molecular consequence: missense variant.
Genome position (GRCh38, 1-based): chr4:186,194,559, C>T. VCF-style: chr4-186194559-C-T. GRCh37 (hg19) VCF-style: chr4-187115713-C-T.
Other names: short protein forms L92F.
Identifiers: ClinVar variation 1477235 (VCV001477235.6), dbSNP rs1279661949, ClinGen allele CA358946925.
Genomic context (GRCh38, chr4:186,194,559, plus strand): 5'-GAATTTTTTCAGCAGATCATTGAGTACACAGAGGAATACCGCCACATGCCGCTGCTGAAG[C>T]TCTGGGTCGGGCCAGTGCCCATGGTGGCCCTTTATAATGCAGAAAATGTGGAGGTGGGTA-3'
Protein context (NP_997235.3, residues 82-102): EEYRHMPLLK[Leu92Phe]WVGPVPMVAL

ClinVar aggregate classification (germline): Uncertain significance (1 of 4 stars; one submission).

Allele frequency attached by ClinVar (database versions not stated): gnomAD exomes 0.00001.

Submission:

Labcorp Genetics (formerly Invitae), Labcorp
Classification: Uncertain significance. Last evaluated: 2022-09-27. Review status: criteria provided, single submitter. Criteria: Invitae Variant Classification Sherloc (09022015). Collection method: clinical testing. Allele origin: germline.
Comment: In summary, the available evidence is currently insufficient to determine the role of this variant in disease. Therefore, it has been classified as a Variant of Uncertain Significance. Algorithms developed to predict the effect of missense changes on protein structure and function output the following: SIFT: "Deleterious"; PolyPhen-2: "Benign"; Align-GVGD: "Class C0". The phenylalanine amino acid residue is found in multiple mammalian species, which suggests that this missense change does not adversely affect protein function. ClinVar contains an entry for this variant (Variation ID: 1477235). This variant has not been reported in the literature in individuals affected with CYP4V2-related conditions. This variant is present in population databases (no rsID available, gnomAD 0.01%). This sequence change replaces leucine, which is neutral and non-polar, with phenylalanine, which is neutral and non-polar, at codon 92 of the CYP4V2 protein (p.Leu92Phe).